The following is an entry in ClinVar:

NM_001145026.2(PTPRQ):c.3604A>G (p.Asn1202Asp)

Gene: PTPRQ (protein tyrosine phosphatase receptor type Q; plus strand). Cytogenetic location: 12q21.31.
Variant type: single nucleotide variant.
Coding change: c.3604A>G on transcript NM_001145026.2 (MANE Select); coding-DNA position 3604, A replaced by G.
Protein change: p.Asn1202Asp; replaces asparagine 1202 with aspartic acid.
Molecular consequence: missense variant.
Genome position (GRCh38, 1-based): chr12:80,542,247, A>G. VCF-style: chr12-80542247-A-G. GRCh37 (hg19) VCF-style: chr12-80936026-A-G.
Other names: short protein forms N1202D.
Identifiers: ClinVar variation 1266012 (VCV001266012.4), dbSNP rs17713202, ClinGen allele CA6702646.

ClinVar aggregate classification (germline): Benign. Review status: criteria provided, multiple submitters, no conflicts (2 of 4 stars). 3 submissions from 3 submitters: Benign (3). Last evaluated 2024-11-15.

Conditions:
PTPRQ-related disorder. Also called: PTPRQ-related condition.

Allele frequency attached by ClinVar (database versions not stated): 1000 Genomes Project 0.11402; 1000 Genomes Project 30x 0.12227; gnomAD 0.14751 and 0.15104; TOPMed 0.15169; gnomAD exomes 0.15467; ESP Exome Variant Server 0.16257.
gnomAD v4.1: 238,689 of 1,550,042 alleles (15%); highest among the groups gnomAD compares: Middle Eastern, 18%; 19,605 homozygotes.

Submissions (3):

PreventionGenetics, part of Exact Sciences
Classification: Benign for PTPRQ-related condition. Last evaluated: 2024-11-15. Review status: criteria provided, single submitter. Criteria: ACMG Guidelines, 2015. Collection method: clinical testing. Allele origin: germline.
Comment: This variant is classified as benign based on ACMG/AMP sequence variant interpretation guidelines (Richards et al. 2015 PMID: 25741868, with internal and published modifications).

GeneDx
Classification: Benign. Last evaluated: 2018-07-28. Review status: criteria provided, single submitter. Criteria: GeneDx Variant Classification Process June 2021. Collection method: clinical testing. Allele origin: germline. Affected: yes.

Breakthrough Genomics
Classification: Benign. Review status: criteria provided, single submitter. Criteria: ACMG Guidelines, 2015. Collection method: not provided. Allele origin: germline. Inheritance: Autosomal recessive inheritance. Affected: yes.